The following is an entry in ClinVar:

ClinVar aggregate classification (germline): Uncertain significance. Review status: criteria provided, multiple submitters, no conflicts (2 of 4 stars). 2 submissions from 2 submitters: Uncertain significance (2). Last evaluated 2026-03-11.

Conditions:
Inborn genetic diseases. Identifiers: MedGen C0950123, MeSH D030342.
Bethlem myopathy 1A. Also called: MYOPATHY, BENIGN CONGENITAL, WITH CONTRACTURES; Bethlem myopathy 1; Bethlem Muscular Dystrophy. Identifiers: Orphanet 610, MedGen CN029274, MONDO:0024530, OMIM 158810.

gnomAD v4.1: 6 of 1,613,988 alleles (0.00037%); highest among the groups gnomAD compares: Admixed American, 0.0067%; no homozygotes.

Submissions (2):

Ambry Genetics
Classification: Uncertain significance for Inborn genetic diseases. Last evaluated: 2026-03-11. Review status: criteria provided, single submitter. Criteria: Ambry Variant Classification Scheme 2023. Collection method: clinical testing. Allele origin: germline.

Labcorp Genetics (formerly Invitae), Labcorp
Classification: Uncertain significance for Bethlem myopathy 1A. Last evaluated: 2025-06-12. Review status: criteria provided, single submitter. Criteria: Invitae Variant Classification Sherloc (09022015). Collection method: clinical testing. Allele origin: germline.
Comment: This sequence change replaces arginine, which is basic and polar, with leucine, which is neutral and non-polar, at codon 2154 of the COL6A3 protein (p.Arg2154Leu). This variant is present in population databases (rs145561490, gnomAD 0.009%). This variant has not been reported in the literature in individuals affected with COL6A3-related conditions. ClinVar contains an entry for this variant (Variation ID: 3719630). Invitae Evidence Modeling of protein sequence and biophysical properties (such as structural, functional, and spatial information, amino acid conservation, physicochemical variation, residue mobility, and thermodynamic stability) indicates that this missense variant is expected to disrupt COL6A3 protein function with a positive predictive value of 80%. In summary, the available evidence is currently insufficient to determine the role of this variant in disease. Therefore, it has been classified as a Variant of Uncertain Significance.

NM_004369.4(COL6A3):c.6461G>T (p.Arg2154Leu)

Gene: COL6A3 (collagen type VI alpha 3 chain; minus strand). Cytogenetic location: 2q37.3.
Variant type: single nucleotide variant.
Coding change: c.6461G>T on transcript NM_004369.4 (MANE Select); coding-DNA position 6461, G replaced by T.
Protein change: p.Arg2154Leu; replaces arginine 2154 with leucine.
Molecular consequence: missense variant.
Genome position (GRCh38, 1-based): chr2:237,358,531, C>A on the plus strand (G>T on the coding strand, the complement: COL6A3 is on the minus strand). VCF-style: chr2-237358531-C-A. GRCh37 (hg19) VCF-style: chr2-238267174-C-A.
Other names: c.4640G>T, p.Arg1547Leu (NM_057166.5); c.5843G>T, p.Arg1948Leu (NM_057167.4); short protein forms R1547L, R1948L, R2154L.
Identifiers: ClinVar variation 3719630 (VCV003719630.3).
Genomic context (GRCh38, chr2:237,358,531, plus strand): 5'-ACCCTCTTCCCCAGGCTCAGGTCTGAAATCGTCAATAAAGAAATCTTTACCGGGTCCCCT[C>A]GAATCCCAACATCTCCTCTTTCTCCTTTCTCTCCTCGAGGTCCTTTATCACCCTAAAGAA-3'
Protein context (NP_004360.2, residues 2144-2164): EKGERGDVGI[Arg2154Leu]GDPGNPGQDS